The following is an entry in ClinVar:

ClinVar aggregate classification (germline): Pathogenic/Likely pathogenic. Review status: criteria provided, multiple submitters, no conflicts (2 of 4 stars). 2 submissions from 2 submitters: Pathogenic (1); Likely pathogenic (1). Last evaluated 2025-11-25.

Conditions:
Hereditary cancer-predisposing syndrome. Also called: Neoplastic Syndromes, Hereditary; Tumor predisposition; Hereditary Cancer Syndrome; Hereditary neoplastic syndrome. Identifiers: Orphanet 140162, MedGen C0027672, MeSH D009386, MONDO:0015356.
Cardiovascular phenotype. Identifiers: MedGen CN230736.

Allele frequency attached by ClinVar (database versions not stated): TOPMed 0.00001.

Submissions (2):

Labcorp Genetics (formerly Invitae), Labcorp
Classification: Pathogenic. Last evaluated: 2025-11-25. Review status: criteria provided, single submitter. Criteria: Invitae Variant Classification Sherloc (09022015). Collection method: clinical testing. Allele origin: germline.
Comment: This sequence change creates a premature translational stop signal (p.Glu596Glyfs*5) in the LZTR1 gene. It is expected to result in an absent or disrupted protein product. Loss-of-function variants in LZTR1 are known to be pathogenic (PMID: 24362817, 25335493, 25480913, 25795793, 29469822, 30368668, 30442762, 30442766, 30481304, 30859559). This variant is not present in population databases (gnomAD no frequency). This variant has not been reported in the literature in individuals affected with LZTR1-related conditions. ClinVar contains an entry for this variant (Variation ID: 1780088). Algorithms developed to predict the effect of sequence changes on RNA splicing suggest that this variant may disrupt the consensus splice site. For these reasons, this variant has been classified as Pathogenic.

Ambry Genetics
Classification: Likely pathogenic for Cardiovascular phenotype; Hereditary cancer-predisposing syndrome. Last evaluated: 2025-04-24. Review status: criteria provided, single submitter. Criteria: Ambry Variant Classification Scheme 2023. Collection method: clinical testing. Allele origin: germline.
Comment: The c.1786-1_1786dupGG variant results from a duplication of 2 nucleotides between nucleotide positions 1786-1 and 1786 and involves the canonical splice acceptor site before coding exon 16 of the LZTR1 gene. In silico splice site analysis predicts that this alteration will not weaken the native acceptor site, and utilization of the native acceptor site in the context of this duplication would result in a frameshift. RNA studies have demonstrated that this alteration results in an abnormal transcript in the set of samples tested (Ambry internal data). This variant is considered to be rare based on population cohorts in the Genome Aggregation Database (gnomAD). This nucleotide region is highly conserved in available vertebrate species. Loss-of-function variants in LZTR1 are related to an increased risk for schwannomas and autosomal recessive Noonan syndrome; however, such associations with autosomal dominant Noonan syndrome have not been observed (Piotrowski A et al. Nat Genet. 2014 Feb;46:182-7; Yamamoto GL et al. J Med Genet. 2015 Jun;52:413-21; Johnston JJ et al. Genet Med. 2018 10;20:1175-1185). Based on the supporting evidence, this variant is likely pathogenic for an increased risk of LZTR1-related schwannomatosis (SWN) and would be expected to cause autosomal recessive Noonan syndrome when present along with a second pathogenic or likely pathogenic variant on the other allele; however, the association of this alteration with autosomal dominant Noonan syndrome is unlikely.

Literature cited by the submitters: PubMed 24362817 (cited by Labcorp Genetics (formerly Invitae), Labcorp); PubMed 25335493 (cited by Labcorp Genetics (formerly Invitae), Labcorp); PubMed 25480913 (cited by Labcorp Genetics (formerly Invitae), Labcorp); PubMed 25795793 (cited by Labcorp Genetics (formerly Invitae), Labcorp); PubMed 29469822 (cited by Labcorp Genetics (formerly Invitae), Labcorp); PubMed 30368668 (cited by Labcorp Genetics (formerly Invitae), Labcorp); PubMed 30442762 (cited by Labcorp Genetics (formerly Invitae), Labcorp); PubMed 30442766 (cited by Labcorp Genetics (formerly Invitae), Labcorp); PubMed 30481304 (cited by Labcorp Genetics (formerly Invitae), Labcorp); PubMed 30859559 (cited by Labcorp Genetics (formerly Invitae), Labcorp).

NM_006767.4(LZTR1):c.1786-1_1786dup

Gene: LZTR1 (leucine zipper like post translational regulator 1; plus strand). Cytogenetic location: 22q11.21.
Variant type: Duplication.
Coding change: c.1786-1_1786dup on transcript NM_006767.4 (MANE Select); the canonical splice acceptor site of the intron before coding-DNA position 1786 through coding-DNA position 1786, 2 bases duplicated (GG; older notation c.1786-1_1786dupGG).
Molecular consequence: splice acceptor variant.
Genome position (GRCh38, 1-based): chr22:20,994,869-20,994,870, GG duplicated. VCF-style (leftmost placement, unchanged base first): chr22-20994868-A-AGG. GRCh37 (hg19) VCF-style: chr22-21349157-A-AGG.
Identifiers: ClinVar variation 1780088 (VCV001780088.8), dbSNP rs1924769528, ClinGen allele CA2396642436.